The following is an entry in ClinVar:

NM_002292.4(LAMB2):c.4694G>T (p.Ser1565Ile)

Gene: LAMB2 (laminin subunit beta 2; minus strand). Cytogenetic location: 3p21.31.
Variant type: single nucleotide variant.
Coding change: c.4694G>T on transcript NM_002292.4 (MANE Select); coding-DNA position 4694, G replaced by T.
Protein change: p.Ser1565Ile; replaces serine 1565 with isoleucine.
Molecular consequence: missense variant.
Genome position (GRCh38, 1-based): chr3:49,122,250, C>A on the plus strand (G>T on the coding strand, the complement: LAMB2 is on the minus strand). VCF-style: chr3-49122250-C-A. GRCh37 (hg19) VCF-style: chr3-49159683-C-A.
Other names: p.Ser1565Ile; short protein forms S1565I.
Identifiers: ClinVar variation 645553 (VCV000645553.5), dbSNP rs373872524, ClinGen allele CA2393728.

ClinVar aggregate classification (germline): Uncertain significance. Review status: criteria provided, multiple submitters, no conflicts (2 of 4 stars). 3 submissions from 3 submitters: Uncertain significance (3). Last evaluated 2024-12-18.

Conditions:
Pierson syndrome. Also called: MICROCORIA-CONGENITAL NEPHROTIC SYNDROME. Identifiers: Orphanet 2670, MedGen C1836876, MONDO:0012184, OMIM 609049.
LAMB2-related infantile-onset nephrotic syndrome. Also called: NEPHROTIC SYNDROME, TYPE 5, WITHOUT OCULAR ABNORMALITIES; NEPHROTIC SYNDROME, TYPE 5, WITH OCULAR ABNORMALITIES; Nephrotic Syndrome, type 5. Identifiers: Orphanet 306507, MedGen C3280113, MONDO:0013621, OMIM 614199.

Allele frequency attached by ClinVar (database versions not stated): gnomAD exomes 0.00001 and 0.00003; ExAC 0.00002; ESP Exome Variant Server 0.00008; gnomAD 0.00009 and 0.00011; TOPMed 0.00011.

Submissions (3):

Mayo Clinic Laboratories, Mayo Clinic
Classification: Uncertain significance. Last evaluated: 2024-12-18. Review status: criteria provided, single submitter. Criteria: ACMG Guidelines, 2015. Collection method: clinical testing. Allele origin: germline. Observed: 1 variant allele.
Comment: BP4

Fulgent Genetics
Classification: Uncertain significance for Pierson syndrome; LAMB2-related infantile-onset nephrotic syndrome. Last evaluated: 2022-02-03. Review status: criteria provided, single submitter. Criteria: ACMG Guidelines, 2015. Collection method: clinical testing. Allele origin: unknown.

Labcorp Genetics (formerly Invitae), Labcorp
Classification: Uncertain significance for LAMB2-related infantile-onset nephrotic syndrome; Pierson syndrome. Last evaluated: 2021-08-27. Review status: criteria provided, single submitter. Criteria: Invitae Variant Classification Sherloc (09022015). Collection method: clinical testing. Allele origin: germline.
Comment: This sequence change replaces serine with isoleucine at codon 1565 of the LAMB2 protein (p.Ser1565Ile). The serine residue is highly conserved and there is a large physicochemical difference between serine and isoleucine. This variant is present in population databases (rs373872524, ExAC 0.03%). This variant has not been reported in the literature in individuals affected with LAMB2-related conditions. Algorithms developed to predict the effect of missense changes on protein structure and function are either unavailable or do not agree on the potential impact of this missense change (SIFT: "Deleterious"; PolyPhen-2: "Possibly Damaging"; Align-GVGD: "Class C15"). In summary, the available evidence is currently insufficient to determine the role of this variant in disease. Therefore, it has been classified as a Variant of Uncertain Significance.